The following is an entry in ClinVar:

ClinVar aggregate classification (germline): Uncertain significance (1 of 4 stars; one submission).

Allele frequency attached by ClinVar (database versions not stated): ExAC 0.00001; gnomAD 0.00001; gnomAD exomes 0.00001; TOPMed 0.00001.
gnomAD v4.1: 19 of 1,613,764 alleles (0.0012%); highest among the groups gnomAD compares: Admixed American, 0.0033%; no homozygotes.

Submission:

Labcorp Genetics (formerly Invitae), Labcorp
Classification: Uncertain significance. Last evaluated: 2024-03-04. Review status: criteria provided, single submitter. Criteria: Invitae Variant Classification Sherloc (09022015). Collection method: clinical testing. Allele origin: germline.
Comment: This sequence change replaces serine, which is neutral and polar, with leucine, which is neutral and non-polar, at codon 453 of the LONP1 protein (p.Ser453Leu). This variant is present in population databases (rs780593199, gnomAD 0.002%). This variant has not been reported in the literature in individuals affected with LONP1-related conditions. ClinVar contains an entry for this variant (Variation ID: 1387386). Advanced modeling of protein sequence and biophysical properties (such as structural, functional, and spatial information, amino acid conservation, physicochemical variation, residue mobility, and thermodynamic stability) performed at Invitae indicates that this missense variant is not expected to disrupt LONP1 protein function with a negative predictive value of 80%. In summary, the available evidence is currently insufficient to determine the role of this variant in disease. Therefore, it has been classified as a Variant of Uncertain Significance.

NM_004793.4(LONP1):c.1358C>T (p.Ser453Leu)

Gene: LONP1 (lon peptidase 1, mitochondrial; minus strand). Cytogenetic location: 19p13.3.
Variant type: single nucleotide variant.
Coding change: c.1358C>T on transcript NM_004793.4 (MANE Select); coding-DNA position 1358, C replaced by T.
Protein change: p.Ser453Leu; replaces serine 453 with leucine.
Molecular consequence: missense variant. On other transcripts: non-coding transcript variant (1).
Genome position (GRCh38, 1-based): chr19:5,705,781, G>A on the plus strand (C>T on the coding strand, the complement: LONP1 is on the minus strand). VCF-style: chr19-5705781-G-A. GRCh37 (hg19) VCF-style: chr19-5705792-G-A.
Other names: c.1166C>T, p.Ser389Leu (NM_001276479.2); c.770C>T, p.Ser257Leu (NM_001276480.1); short protein forms S257L, S389L, S453L.
Identifiers: ClinVar variation 1387386 (VCV001387386.6), dbSNP rs780593199, ClinGen allele CA9114740.